The following is an entry in ClinVar:

ClinVar aggregate classification (germline): Pathogenic (1 of 4 stars; one submission).

Allele frequency attached by ClinVar (database versions not stated): gnomAD exomes below 0.00001.

Submission:

Labcorp Genetics (formerly Invitae), Labcorp
Classification: Pathogenic. Last evaluated: 2021-11-22. Review status: criteria provided, single submitter. Criteria: Invitae Variant Classification Sherloc (09022015). Collection method: clinical testing. Allele origin: germline.
Comment: This variant is not present in population databases (gnomAD no frequency). This sequence change creates a premature translational stop signal (p.Glu595Glnfs*14) in the LIFR gene. It is expected to result in an absent or disrupted protein product. Loss-of-function variants in LIFR are known to be pathogenic (PMID: 14740318). For these reasons, this variant has been classified as Pathogenic. This variant has not been reported in the literature in individuals affected with LIFR-related conditions.

Literature cited by the submitters: PubMed 14740318.

NM_001127671.2(LIFR):c.1781_1782dup (p.Glu595fs)

Gene: LIFR (LIF receptor subunit alpha; minus strand). Cytogenetic location: 5p13.1.
Variant type: Duplication.
Coding change: c.1781_1782dup on transcript NM_001127671.2 (MANE Select); coding-DNA positions 1781 to 1782, 2 bases duplicated (CA; older notation c.1781_1782dupCA).
Protein change: p.Glu595fs; shifts the reading frame from glutamic acid 595.
Molecular consequence: frameshift variant.
Genome position (GRCh38, 1-based): chr5:38,496,485-38,496,486, TG duplicated on the plus strand (CA on the coding strand, the reverse complement: LIFR is on the minus strand). VCF-style (leftmost placement, unchanged base first): chr5-38496484-C-CTG. GRCh37 (hg19) VCF-style: chr5-38496586-C-CTG.
Other names: c.1781_1782dup, p.Glu595fs (NM_001364297.2, NM_001364298.2, NM_002310.6); short protein forms E595fs.
Identifiers: ClinVar variation 1456932 (VCV001456932.6), dbSNP rs2112430367, ClinGen allele CA2573139611.
Genomic context (GRCh38, chr5:38,496,484, plus strand): 5'-AGCCCACAGAATTTTTAGCCACTACGCTGATGATGTAGTCATTCTTATCAAGTCGTATCT[C>CTG]TGCTTTGTGCTGAGGATCAGGGATTTCAGAAAGGGACTGTGTTTCCTCATCTGATGAACA-3'